The following is an entry in ClinVar:

ClinVar aggregate classification (germline): Pathogenic (1 of 4 stars; one submission).

Conditions:
Marfan syndrome (MFS). Also called: MARFAN SYNDROME, TYPE I; FBN1-Related Marfan Syndrome; Marfan syndrome type 1; Marfan's syndrome; Marfan syndrome, classic. Identifiers: Orphanet 284963, Orphanet 558, MedGen C0024796, MONDO:0007947, OMIM 154700.
Familial thoracic aortic aneurysm and aortic dissection (TAAD). Also called: Thoracic aortic aneurysms and dissections. Identifiers: Orphanet 91387, MedGen C4707243, MONDO:0019625.

Submission:

Labcorp Genetics (formerly Invitae), Labcorp
Classification: Pathogenic for Marfan syndrome; Familial thoracic aortic aneurysm and aortic dissection. Last evaluated: 2022-09-23. Review status: criteria provided, single submitter. Criteria: Invitae Variant Classification Sherloc (09022015). Collection method: clinical testing. Allele origin: germline.
Comment: ClinVar contains an entry for this variant (Variation ID: 457245). This missense change has been observed in individual(s) with Marfan syndrome (Invitae). In at least one individual the variant was observed to be de novo. This variant is not present in population databases (gnomAD no frequency). This sequence change replaces cysteine, which is neutral and slightly polar, with serine, which is neutral and polar, at codon 2131 of the FBN1 protein (p.Cys2131Ser). Advanced modeling of protein sequence and biophysical properties (such as structural, functional, and spatial information, amino acid conservation, physicochemical variation, residue mobility, and thermodynamic stability) performed at Invitae indicates that this missense variant is expected to disrupt FBN1 protein function. For these reasons, this variant has been classified as Pathogenic. This variant affects a cysteine residue in the EGF-like, TGFBP or hybrid motif domains of FBN1. Cysteine residues are believed to be involved in intramolecular disulfide bridges and have been shown to be important for FBN1 protein structure (PMID: 16905551, 19349279). In addition, missense substitutions affecting cysteine residues within these domains are significantly overrepresented among patients with Marfan syndrome (PMID: 16571647, 17701892).

Literature cited by the submitters: PubMed 16905551; PubMed 19349279; PubMed 16571647; PubMed 17701892.

NM_000138.5(FBN1):c.6391T>A (p.Cys2131Ser)

Gene: FBN1 (fibrillin 1; minus strand). Cytogenetic location: 15q21.1.
Variant type: single nucleotide variant.
Coding change: c.6391T>A on transcript NM_000138.5 (MANE Select); coding-DNA position 6391, T replaced by A.
Protein change: p.Cys2131Ser; replaces cysteine 2131 with serine.
Molecular consequence: missense variant.
Genome position (GRCh38, 1-based): chr15:48,437,066, A>T on the plus strand (T>A on the coding strand, the complement: FBN1 is on the minus strand). VCF-style: chr15-48437066-A-T. GRCh37 (hg19) VCF-style: chr15-48729263-A-T.
Other names: short protein forms C2131S.
Identifiers: ClinVar variation 457245 (VCV000457245.8), dbSNP rs1555395210, ClinGen allele CA392336694.
Genomic context (GRCh38, chr15:48,437,066, plus strand): 5'-AGCGATAGGAACCATCTGTATTGATGCACTGTCCATGTTTACAGACATCGGGTTCTTTGC[A>T]TTCGTCCATATCTTAAGCAAGAGAAAAAAAATAGTGAATAACAAGGTATTTTTTAAACGT-3'
Protein context (NP_000129.3, residues 2121-2141): PDDSAVDMDE[Cys2131Ser]KEPDVCKHGQ